The following is an entry in ClinVar:

NM_005802.5(TOPORS):c.526C>G (p.Arg176Gly)

Gene: TOPORS (TOP1 binding arginine/serine rich protein, E3 ubiquitin ligase; minus strand). Cytogenetic location: 9p21.1.
Variant type: single nucleotide variant.
Coding change: c.526C>G on transcript NM_005802.5 (MANE Select); coding-DNA position 526, C replaced by G.
Protein change: p.Arg176Gly; replaces arginine 176 with glycine.
Molecular consequence: missense variant.
Genome position (GRCh38, 1-based): chr9:32,543,999, G>C on the plus strand (C>G on the coding strand, the complement: TOPORS is on the minus strand). VCF-style: chr9-32543999-G-C. GRCh37 (hg19) VCF-style: chr9-32543997-G-C.
Other names: c.331C>G, p.Arg111Gly (NM_001195622.2); short protein forms R111G, R176G.
Identifiers: ClinVar variation 2525725 (VCV002525725.5), dbSNP rs143962770, ClinGen allele CA5020638.
Genomic context (GRCh38, chr9:32,543,999, plus strand): 5'-TAGGTGAATACACAGAAGCATTTCGTTCCCTTGTCAGAGTTGTACGGTAGCGAAATCGTC[G>C]ATCAGGGGTGACAAAAGAACCATTATACGAAGGCCTTAGGACATACTCCTTGAAGTCATC-3'
Protein context (NP_005793.2, residues 166-186): SYNGSFVTPD[Arg176Gly]RFRYRTTLTR

ClinVar aggregate classification (germline): Uncertain significance. Review status: criteria provided, multiple submitters, no conflicts (2 of 4 stars). 2 submissions from 2 submitters: Uncertain significance (2). Last evaluated 2023-04-11.

Conditions:
Inborn genetic diseases. Identifiers: MedGen C0950123, MeSH D030342.

Allele frequency attached by ClinVar (database versions not stated): gnomAD 0.00002; gnomAD exomes 0.00002; ExAC 0.00006; ESP Exome Variant Server 0.00008.

Submissions (2):

Labcorp Genetics (formerly Invitae), Labcorp
Classification: Uncertain significance. Last evaluated: 2023-04-11. Review status: criteria provided, single submitter. Criteria: Invitae Variant Classification Sherloc (09022015). Collection method: clinical testing. Allele origin: germline.
Comment: In summary, the available evidence is currently insufficient to determine the role of this variant in disease. Therefore, it has been classified as a Variant of Uncertain Significance. An algorithm developed to predict the effect of missense changes on protein structure and function (PolyPhen-2) suggests that this variant is likely to be disruptive. This variant has not been reported in the literature in individuals affected with TOPORS-related conditions. This variant is present in population databases (rs143962770, gnomAD 0.007%). This sequence change replaces arginine, which is basic and polar, with glycine, which is neutral and non-polar, at codon 176 of the TOPORS protein (p.Arg176Gly).

Ambry Genetics
Classification: Uncertain significance for Inborn genetic diseases. Last evaluated: 2023-03-27. Review status: criteria provided, single submitter. Criteria: Ambry Variant Classification Scheme 2023. Collection method: clinical testing. Allele origin: germline.